The following is an entry in ClinVar:

NM_001378418.1(TCF20):c.3759G>A (p.Met1253Ile)

Gene: TCF20 (transcription factor 20; minus strand). Cytogenetic location: 22q13.2.
Variant type: single nucleotide variant.
Coding change: c.3759G>A on transcript NM_001378418.1 (MANE Select); coding-DNA position 3759, G replaced by A.
Protein change: p.Met1253Ile; replaces methionine 1253 with isoleucine.
Molecular consequence: missense variant.
Genome position (GRCh38, 1-based): chr22:42,211,547, C>T on the plus strand (G>A on the coding strand, the complement: TCF20 is on the minus strand). VCF-style: chr22-42211547-C-T. GRCh37 (hg19) VCF-style: chr22-42607553-C-T.
Other names: c.3759G>A, p.Met1253Ile (NM_005650.4, NM_181492.3); short protein forms M1253I.
Identifiers: ClinVar variation 2853979 (VCV002853979.3), dbSNP rs2518212761, ClinGen allele CA411785783.

ClinVar aggregate classification (germline): Uncertain significance (1 of 4 stars; one submission).

Submission:

Labcorp Genetics (formerly Invitae), Labcorp
Classification: Uncertain significance. Last evaluated: 2023-04-09. Review status: criteria provided, single submitter. Criteria: Invitae Variant Classification Sherloc (09022015). Collection method: clinical testing. Allele origin: germline.
Comment: An algorithm developed to predict the effect of missense changes on protein structure and function (PolyPhen-2) suggests that this variant is likely to be disruptive. In summary, the available evidence is currently insufficient to determine the role of this variant in disease. Therefore, it has been classified as a Variant of Uncertain Significance. This variant has not been reported in the literature in individuals affected with TCF20-related conditions. This variant is not present in population databases (gnomAD no frequency). This sequence change replaces methionine, which is neutral and non-polar, with isoleucine, which is neutral and non-polar, at codon 1253 of the TCF20 protein (p.Met1253Ile).